The following is an entry in ClinVar:

ClinVar aggregate classification (germline): Likely pathogenic. Review status: criteria provided, multiple submitters, no conflicts (2 of 4 stars). 2 submissions from 2 submitters: Likely pathogenic (2). Last evaluated 2024-11-20.

Conditions:
TGFB2-related disorder. Also called: TGFB2-related condition.

Submissions (2):

Blueprint Genetics
Classification: Likely pathogenic for TGFB2-related disorders. Last evaluated: 2024-11-20. Review status: criteria provided, single submitter. Criteria: ACMG Guidelines, 2015. Collection method: clinical testing. Allele origin: germline. Affected: yes. Observed: 2 variant alleles.

GeneDx
Classification: Likely pathogenic. Last evaluated: 2021-08-31. Review status: criteria provided, single submitter. Criteria: GeneDx Variant Classification Process June 2021. Collection method: clinical testing. Allele origin: germline. Affected: yes.
Comment: Has not been previously published as pathogenic or benign to our knowledge; Not observed at significant frequency in large population cohorts (Lek et al., 2016); Nonsense variant predicted to result in protein truncation or nonsense mediated decay in a gene for which loss-of-function is a known mechanism of disease

NM_003238.6(TGFB2):c.463C>T (p.Gln155Ter)

Gene: TGFB2 (transforming growth factor beta 2; plus strand). Cytogenetic location: 1q41.
Variant type: single nucleotide variant.
Coding change: c.463C>T on transcript NM_003238.6 (MANE Select); coding-DNA position 463, C replaced by T.
Protein change: p.Gln155Ter; replaces glutamine 155 with a stop codon.
Molecular consequence: nonsense. On other transcripts: non-coding transcript variant (2).
Genome position (GRCh38, 1-based): chr1:218,405,285, C>T. VCF-style: chr1-218405285-C-T. GRCh37 (hg19) VCF-style: chr1-218578627-C-T.
Other names: c.547C>T, p.Gln183Ter (NM_001135599.4); short protein forms Q155*, Q183*.
Identifiers: ClinVar variation 1254587 (VCV001254587.3), dbSNP rs1425658948, ClinGen allele CA344726274.